The following is an entry in ClinVar:

ClinVar aggregate classification (germline): Conflicting classifications of pathogenicity. Review status: criteria provided, conflicting classifications (1 of 4 stars). 2 submissions from 2 submitters: Likely pathogenic (1); Uncertain significance (1). Last evaluated 2025-10-13.

Conditions:
Dilated cardiomyopathy 1G (CMD1G). Identifiers: Orphanet 154, MedGen C1858763, MONDO:0011400, OMIM 604145.
Autosomal recessive limb-girdle muscular dystrophy type 2J (LGMDR10). Also called: Limb-girdle muscular dystrophy, type 2J; MUSCULAR DYSTROPHY, LIMB-GIRDLE, AUTOSOMAL RECESSIVE 10. Identifiers: Orphanet 140922, MedGen C1837342, MONDO:0012127, OMIM 608807.

Allele frequency attached by ClinVar (database versions not stated): gnomAD exomes below 0.00001; ExAC 0.00001.
gnomAD v4.1: 3 of 1,613,662 alleles (0.00019%); highest among the groups gnomAD compares: Non-Finnish European, 0.00025%; no homozygotes.

Submissions (2):

GeneDx
Classification: Uncertain significance. Last evaluated: 2025-10-13. Review status: criteria provided, single submitter. Criteria: GeneDx Variant Classification Process June 2021. Collection method: clinical testing. Allele origin: germline.
Comment: Nonsense variant predicted to result in protein truncation or nonsense mediated decay in a region of a gene for which loss of function is not a well-established mechanism of disease; Not observed at significant frequency in large population cohorts (gnomAD); Has not been previously published as pathogenic or benign to our knowledge

Labcorp Genetics (formerly Invitae), Labcorp
Classification: Likely pathogenic for Dilated cardiomyopathy 1G; Autosomal recessive limb-girdle muscular dystrophy type 2J. Last evaluated: 2024-05-21. Review status: criteria provided, single submitter. Criteria: Invitae Variant Classification Sherloc (09022015). Collection method: clinical testing. Allele origin: germline.
Comment: This sequence change creates a premature translational stop signal (p.Arg6181*) in the TTN gene. While this is not anticipated to result in nonsense mediated decay, it is expected to create a truncated TTN protein. This variant is present in population databases (rs775209602, gnomAD 0.0009%). This variant has not been reported in the literature in individuals affected with TTN-related conditions. ClinVar contains an entry for this variant (Variation ID: 2662560). Algorithms developed to predict the effect of sequence changes on RNA splicing suggest that this variant may disrupt the consensus splice site. This variant is located in the I band of TTN (PMID: 25589632). Truncating variants in this region have been reported in individuals affected with autosomal recessive centronuclear myopathy (PMID: 23975875, Invitae internal data). Truncating variants in this region have also been identified in individuals affected with autosomal dominant dilated cardiomyopathy and/or cardio-related conditions (PMID: 27869827, 32964742, Invitae internal data). In summary, the currently available evidence indicates that the variant is pathogenic, but additional data are needed to prove that conclusively. Therefore, this variant has been classified as Likely Pathogenic.

Literature cited by the submitters: PubMed 25589632 (cited by Labcorp Genetics (formerly Invitae), Labcorp); PubMed 23975875 (cited by Labcorp Genetics (formerly Invitae), Labcorp); PubMed 27869827 (cited by Labcorp Genetics (formerly Invitae), Labcorp); PubMed 32964742 (cited by Labcorp Genetics (formerly Invitae), Labcorp).

NM_001267550.2(TTN):c.18541C>T (p.Arg6181Ter)

Genes: TTN (titin; minus strand), LOC126806430 (BRD4-independent group 4 enhancer GRCh37_chr2:179593794-179594993; plus strand). Cytogenetic location: 2q31.2.
Variant type: single nucleotide variant.
Coding change: c.18541C>T on transcript NM_001267550.2 (MANE Select); coding-DNA position 18541, C replaced by T.
Protein change: p.Arg6181Ter; replaces arginine 6181 with a stop codon.
Molecular consequence: nonsense. On other transcripts: intron variant (3).
Genome position (GRCh38, 1-based): chr2:178,729,712, G>A on the plus strand (C>T on the coding strand, the complement: TTN is on the minus strand). VCF-style: chr2-178729712-G-A. GRCh37 (hg19) VCF-style: chr2-179594439-G-A.
Other names: c.17590C>T, p.Arg5864Ter (NM_001256850.1); c.14809C>T, p.Arg4937Ter (NM_133378.4); c.13282+8370C>T (NM_003319.4); c.13858+8370C>T (NM_133437.4); c.13657+8370C>T (NM_133432.3); short protein forms R4937*, R5864*, R6181*.
Identifiers: ClinVar variation 2662560 (VCV002662560.4), dbSNP rs775209602, ClinGen allele CA2001606.
Genomic context (GRCh38, chr2:178,729,712, plus strand): 5'-CCATTCACGAACCTTTCACTTTGAGTTCAATGCTGCAGCTCGCCGTGCCTGCGTCATTTC[G>A]AGCTTCACACACATAAGTCCCACTATTTTCTACCCTGGCACCAGAAATCTGGAAAGTGGC-3'